The following is an entry in ClinVar:

ClinVar aggregate classification (germline): Uncertain significance (1 of 4 stars; one submission).

Allele frequency attached by ClinVar (database versions not stated): gnomAD 0.00001; gnomAD exomes 0.00001 and 0.00002; TOPMed 0.00001; ExAC 0.00002; 1000 Genomes Project 30x 0.00016; 1000 Genomes Project 0.00020.
gnomAD v4.1: 16 of 1,614,154 alleles (0.00099%); highest among the groups gnomAD compares: South Asian, 0.018%; no homozygotes.

Submission:

Labcorp Genetics (formerly Invitae), Labcorp
Classification: Uncertain significance. Last evaluated: 2022-03-10. Review status: criteria provided, single submitter. Criteria: Invitae Variant Classification Sherloc (09022015). Collection method: clinical testing. Allele origin: germline.
Comment: This variant has not been reported in the literature in individuals affected with EXOSC2-related conditions. In summary, the available evidence is currently insufficient to determine the role of this variant in disease. Therefore, it has been classified as a Variant of Uncertain Significance. Algorithms developed to predict the effect of missense changes on protein structure and function are either unavailable or do not agree on the potential impact of this missense change (SIFT: "Deleterious"; PolyPhen-2: "Possibly Damaging"; Align-GVGD: "Class C0"). ClinVar contains an entry for this variant (Variation ID: 1063634). This variant is present in population databases (rs573517629, gnomAD 0.02%). This sequence change replaces serine, which is neutral and polar, with proline, which is neutral and non-polar, at codon 106 of the EXOSC2 protein (p.Ser106Pro).

NM_014285.7(EXOSC2):c.316T>C (p.Ser106Pro)

Gene: EXOSC2 (exosome component 2; plus strand). Cytogenetic location: 9q34.12.
Variant type: single nucleotide variant.
Coding change: c.316T>C on transcript NM_014285.7 (MANE Select); coding-DNA position 316, T replaced by C.
Protein change: p.Ser106Pro; replaces serine 106 with proline.
Molecular consequence: missense variant. On other transcripts: non-coding transcript variant (1), intron variant (1).
Genome position (GRCh38, 1-based): chr9:130,698,207, T>C. VCF-style: chr9-130698207-T-C. GRCh37 (hg19) VCF-style: chr9-133573594-T-C.
Other names: c.316T>C, p.Ser106Pro (NM_001282708.1); c.270+580T>C (NM_001282709.1); short protein forms S106P.
Identifiers: ClinVar variation 1063634 (VCV001063634.7), dbSNP rs573517629, ClinGen allele CA5284818.